The following is an entry in ClinVar:

ClinVar aggregate classification (germline): Uncertain significance (1 of 4 stars; one submission).

Allele frequency attached by ClinVar (database versions not stated): ExAC 0.00002; TOPMed 0.00003.
gnomAD v4.1: 5 of 1,614,046 alleles (0.00031%); highest among the groups gnomAD compares: Admixed American, 0.0067%; no homozygotes.

Submission:

Labcorp Genetics (formerly Invitae), Labcorp
Classification: Uncertain significance. Last evaluated: 2023-11-24. Review status: criteria provided, single submitter. Criteria: Invitae Variant Classification Sherloc (09022015). Collection method: clinical testing. Allele origin: germline.
Comment: This sequence change affects codon 205 of the MOCS3 mRNA. It is a 'silent' change, meaning that it does not change the encoded amino acid sequence of the MOCS3 protein. This variant is present in population databases (rs747771618, gnomAD 0.01%). This variant has not been reported in the literature in individuals affected with MOCS3-related conditions. In summary, the available evidence is currently insufficient to determine the role of this variant in disease. Therefore, it has been classified as a Variant of Uncertain Significance.

NM_014484.5(MOCS3):c.615C>T (p.Ala205=)

Gene: MOCS3 (molybdenum cofactor synthesis 3; plus strand). Cytogenetic location: 20q13.13.
Variant type: single nucleotide variant.
Coding change: c.615C>T on transcript NM_014484.5 (MANE Select); coding-DNA position 615, C replaced by T.
Protein change: p.Ala205=; no amino-acid change (alanine 205 retained).
Molecular consequence: synonymous variant.
Genome position (GRCh38, 1-based): chr20:50,959,457, C>T. VCF-style: chr20-50959457-C-T. GRCh37 (hg19) VCF-style: chr20-49575994-C-T.
Identifiers: ClinVar variation 3015204 (VCV003015204.3), dbSNP rs747771618, ClinGen allele CA9909444.